The following is an entry in ClinVar:

ClinVar aggregate classification (germline): Conflicting classifications of pathogenicity. Review status: criteria provided, conflicting classifications (1 of 4 stars). 9 submissions from 9 submitters: Uncertain significance (6); Likely benign (2). 1 of the submissions does not count toward it. Last evaluated 2026-01-27.

Conditions:
Hereditary cancer-predisposing syndrome. Also called: Neoplastic Syndromes, Hereditary; Tumor predisposition; Hereditary Cancer Syndrome; Hereditary neoplastic syndrome. Identifiers: Orphanet 140162, MedGen C0027672, MeSH D009386, MONDO:0015356.
Hereditary breast ovarian cancer syndrome. Also called: Hereditary breast and ovarian cancer syndrome; Hereditary breast and ovarian cancer; Hereditary breast and ovarian cancer syndrome (HBOC); Breast and ovarian cancer; Hereditary breast and/or ovarian cancer syndrome; BRCA1- and BRCA2-Associated Hereditary Breast and Ovarian Cancer. Identifiers: Orphanet 145, MedGen C0677776, MeSH D061325, MONDO:0003582. Disease mechanism: loss of function.
Breast-ovarian cancer, familial, susceptibility to, 2 (BROVCA2). Also called: BRCA2 Hereditary Breast and Ovarian Cancer. Identifiers: Orphanet 145, MedGen C2675520, MONDO:0012933, OMIM 612555. Disease mechanism: loss of function.
Familial cancer of breast. Also called: BREAST CANCER, FAMILIAL; Hereditary breast cancer; hereditary breast carcinoma. Identifiers: Orphanet 227535, MedGen C0346153, MONDO:0016419, OMIM 114480. Disease mechanism: loss of function.

Allele frequency attached by ClinVar (database versions not stated): gnomAD 0.00001; gnomAD exomes 0.00002.
gnomAD v4.1: 24 of 1,613,718 alleles (0.0015%); highest among the groups gnomAD compares: African/African-American, 0.0027%; no homozygotes.

Submissions (9):

Labcorp Genetics (formerly Invitae), Labcorp
Classification: Uncertain significance for Hereditary breast ovarian cancer syndrome. Last evaluated: 2026-01-27. Review status: criteria provided, single submitter. Criteria: Invitae Variant Classification Sherloc (09022015). Collection method: clinical testing. Allele origin: germline.
Comment: This sequence change replaces isoleucine, which is neutral and non-polar, with methionine, which is neutral and non-polar, at codon 80 of the BRCA2 protein (p.Ile80Met). This variant is not present in population databases (gnomAD no frequency). This missense change has been observed in individual(s) with breast cancer and/or head and neck squamous cell carcinoma (PMID: 10923033, 28678401). ClinVar contains an entry for this variant (Variation ID: 51277). Invitae Evidence Modeling of protein sequence and biophysical properties (such as structural, functional, and spatial information, amino acid conservation, physicochemical variation, residue mobility, and thermodynamic stability) indicates that this missense variant is not expected to disrupt BRCA2 protein function with a negative predictive value of 95%. In summary, the available evidence is currently insufficient to determine the role of this variant in disease. Therefore, it has been classified as a Variant of Uncertain Significance.

Women's Health and Genetics/Laboratory Corporation of America, LabCorp
Classification: Uncertain significance. Last evaluated: 2025-05-16. Review status: criteria provided, single submitter. Criteria: LabCorp Variant Classification Summary - May 2015. Collection method: clinical testing. Allele origin: germline.
Comment: Variant summary: BRCA2 c.240A>G (p.Ile80Met) results in a conservative amino acid change in the encoded protein sequence. Algorithms developed to predict the effect of missense changes on protein structure and function all suggest that this variant is likely to be tolerated. The variant was absent in 251364 control chromosomes. The available data on variant occurrences in the general population are insufficient to allow any conclusion about variant significance. c.240A>G has been reported in the literature in individuals affected with breast cancer (UMD and BIC databases), and head and neck squamous cell carcinoma (Chandrasekharappa_2017). However, in at least two of these cases co-occurrences with other pathogenic variants have been reported (BRCA2 c.3599_3600delGT (p.Cys1200X) and BRCA1 c.3839_3843delinsAGGC (p.Ser1280X)), providing supporting evidence for a benign role. In a recent large study evaluating breast cancer cases and controls in the Breast Cancer Association Consortium (BCAC), the variant was reported in 1/60466 cases, but was also found in 1/53461 controls (Dorling_2021, reported through LOVD). One functional study reported that this variant doesn't affect splicing in a minigene assay (Tubeuf_2020), however, to our knowledge, no experimental evidence demonstrating an impact on protein function has been reported. The following publications have been ascertained in the context of this evaluation (PMID: 28678401, 33471991, 32641407). ClinVar contains an entry for this variant (Variation ID: 51277). Based on the evidence outlined above, the variant was classified as VUS-possibly benign.

Ambry Genetics
Classification: Likely benign for Hereditary cancer-predisposing syndrome. Last evaluated: 2025-05-13. Review status: criteria provided, single submitter. Criteria: Ambry Variant Classification Scheme 2023. Collection method: clinical testing. Allele origin: germline.

Color Diagnostics, LLC DBA Color Health
Classification: Likely benign for Hereditary cancer-predisposing syndrome. Last evaluated: 2025-02-18. Review status: criteria provided, single submitter. Criteria: ACMG Guidelines, 2015. Collection method: clinical testing. Allele origin: germline.

Baylor Genetics
Classification: Uncertain significance for Familial cancer of breast. Last evaluated: 2024-03-20. Review status: criteria provided, single submitter. Criteria: ACMG Guidelines, 2015. Collection method: clinical testing. Allele origin: unknown.

GeneDx
Classification: Uncertain significance. Last evaluated: 2023-06-06. Review status: criteria provided, single submitter. Criteria: GeneDx Variant Classification Process June 2021. Collection method: clinical testing. Allele origin: germline. Affected: yes.
Comment: In silico analysis, which includes protein predictors and evolutionary conservation, supports that this variant does not alter protein structure/function; Not observed in large population cohorts (gnomAD); Reported in 1/60,466 breast cancer cases and in 1/53,461 controls (Dorling et al., 2021); Also known as 468A>G; This variant is associated with the following publications: (PMID: 32641407, 31131967, 10923033, 33471991)

All of Us Research Program, National Institutes of Health
Classification: Uncertain significance for Breast-ovarian cancer, familial, susceptibility to, 2. Last evaluated: 2023-05-15. Review status: criteria provided, single submitter. Criteria: ACMG Guidelines, 2015. Collection method: clinical testing. Allele origin: germline. Inheritance: Autosomal dominant inheritance. Observed: 1 variant allele, 1 heterozygote.
Comment: This missense variant replaces isoleucine with methionine at codon 80 of the BRCA2 protein. Computational prediction suggests that this variant may not impact protein structure and function (internally defined REVEL score threshold <= 0.5, PMID: 27666373). To our knowledge, functional studies have not been reported for this variant. This variant has been reported in an individual affected with head and neck carcinoma (PMID: 28678401). This variant has not been identified in the general population by the Genome Aggregation Database (gnomAD). The available evidence is insufficient to determine the role of this variant in disease conclusively. Therefore, this variant is classified as a Variant of Uncertain Significance.

This study involves interpretation of variants in research participants for the purpose of population health screening. Participant phenotype was not available at the time of variant classification. Additional details can be found in publication PMID: 35346344, PMCID: PMC8962531

Quest Diagnostics Nichols Institute San Juan Capistrano
Classification: Uncertain significance. Last evaluated: 2021-03-25. Review status: criteria provided, single submitter. Criteria: Quest Diagnostics criteria. Collection method: clinical testing. Allele origin: unknown.

Breast Cancer Information Core (BIC) (BRCA2)
Classification: Uncertain significance for Breast-ovarian cancer, familial 2. Last evaluated: 2003-12-23. Review status: no assertion criteria provided. Collection method: clinical testing. Allele origin: germline. Affected: yes. Observed: 1 variant allele. Not counted in ClinVar's aggregate classification.

Literature cited by the submitters: PubMed 10923033 (cited by Labcorp Genetics (formerly Invitae), Labcorp); PubMed 28678401 (cited by 5 submitters); PubMed 33471991 (cited by Women's Health and Genetics/Laboratory Corporation of America, LabCorp and Ambry Genetics); PubMed 32641407 (cited by Women's Health and Genetics/Laboratory Corporation of America, LabCorp).

NM_000059.4(BRCA2):c.240A>G (p.Ile80Met)

Gene: BRCA2 (BRCA2 DNA repair associated; plus strand). Cytogenetic location: 13q13.1.
Variant type: single nucleotide variant.
Coding change: c.240A>G on transcript NM_000059.4 (MANE Select); coding-DNA position 240, A replaced by G.
Protein change: p.Ile80Met; replaces isoleucine 80 with methionine.
Molecular consequence: missense variant.
Genome position (GRCh38, 1-based): chr13:32,319,249, A>G. VCF-style: chr13-32319249-A-G. GRCh37 (hg19) VCF-style: chr13-32893386-A-G.
Other names: short protein forms I80M.
Identifiers: ClinVar variation 51277 (VCV000051277.32), dbSNP rs80358505, ClinGen allele CA015159.